The following is an entry in ClinVar:

NM_001364171.2(ODAD1):c.1325G>A (p.Arg442Gln)

Gene: ODAD1 (outer dynein arm docking complex subunit 1; minus strand). Cytogenetic location: 19q13.33.
Variant type: single nucleotide variant.
Coding change: c.1325G>A on transcript NM_001364171.2 (MANE Select); coding-DNA position 1325, G replaced by A.
Protein change: p.Arg442Gln; replaces arginine 442 with glutamine.
Molecular consequence: missense variant.
Genome position (GRCh38, 1-based): chr19:48,298,256, C>T on the plus strand (G>A on the coding strand, the complement: ODAD1 is on the minus strand). VCF-style: chr19-48298256-C-T. GRCh37 (hg19) VCF-style: chr19-48801513-C-T.
Other names: c.1214G>A, p.Arg405Gln (NM_144577.4); short protein forms R405Q, R442Q.
Identifiers: ClinVar variation 2078490 (VCV002078490.4), dbSNP rs147082322, ClinGen allele CA9548740.
Genomic context (GRCh38, chr19:48,298,256, plus strand): 5'-TGCACTGTCAGGAGCTCCACCAGCCGCTTCTCAATGAGGCTCAGGAAGAGGCCCATGTCC[C>T]GGTCTCCCATGCTGGTCTTGACCCCAAGGAGGTCATCGATCATGCTGCTGTCGCAATGGG-3'
Protein context (NP_001351100.1, residues 432-452): LLGVKTSMGD[Arg442Gln]DMGLFLSLIE

ClinVar aggregate classification (germline): Uncertain significance (1 of 4 stars; one submission).

Conditions:
Primary ciliary dyskinesia. Also called: Ciliary dyskinesia. Identifiers: Orphanet 244, MedGen C0008780, MONDO:0016575, HP:0012265.

Allele frequency attached by ClinVar (database versions not stated): gnomAD exomes 0.00001; ExAC 0.00002; gnomAD 0.00002; TOPMed 0.00004; ESP Exome Variant Server 0.00023.

Submission:

Labcorp Genetics (formerly Invitae), Labcorp
Classification: Uncertain significance for Primary ciliary dyskinesia. Last evaluated: 2022-05-27. Review status: criteria provided, single submitter. Criteria: Invitae Variant Classification Sherloc (09022015). Collection method: clinical testing. Allele origin: germline.
Comment: In summary, the available evidence is currently insufficient to determine the role of this variant in disease. Therefore, it has been classified as a Variant of Uncertain Significance. Algorithms developed to predict the effect of missense changes on protein structure and function output the following: SIFT: "Tolerated"; PolyPhen-2: "Benign"; Align-GVGD: "Class C0". The glutamine amino acid residue is found in multiple mammalian species, which suggests that this missense change does not adversely affect protein function. This variant has not been reported in the literature in individuals affected with CCDC114-related conditions. This variant is present in population databases (rs147082322, gnomAD 0.007%). This sequence change replaces arginine, which is basic and polar, with glutamine, which is neutral and polar, at codon 405 of the CCDC114 protein (p.Arg405Gln).